The following is an entry in ClinVar:

ClinVar aggregate classification (germline): Uncertain significance (1 of 4 stars; one submission).

Conditions:
Glycogen storage disease IV, classic hepatic. Also called: GSD IV, CLASSIC HEPATIC. Identifiers: MedGen C1856301.
Glycogen storage disease, type IV (GSD4). Also called: Glycogen storage disease due to glycogen branching enzyme deficiency; AMYLOPECTINOSIS; ANDERSEN DISEASE; BRANCHER DEFICIENCY; CIRRHOSIS, FAMILIAL, WITH DEPOSITION OF ABNORMAL GLYCOGEN; GBE1 DEFICIENCY. Identifiers: Orphanet 367, MedGen C0017923, MONDO:0009292, OMIM 232500.

Allele frequency attached by ClinVar (database versions not stated): gnomAD exomes below 0.00001; TOPMed below 0.00001; gnomAD 0.00001.
gnomAD v4.1: 3 of 1,581,328 alleles (0.00019%); highest among the groups gnomAD compares: Admixed American, 0.0017%; no homozygotes.

Submission:

Labcorp Genetics (formerly Invitae), Labcorp
Classification: Uncertain significance for Glycogen storage disease, type IV; Glycogen storage disease IV, classic hepatic. Last evaluated: 2022-03-14. Review status: criteria provided, single submitter. Criteria: Invitae Variant Classification Sherloc (09022015). Collection method: clinical testing. Allele origin: germline.
Comment: This sequence change replaces asparagine, which is neutral and polar, with aspartic acid, which is acidic and polar, at codon 233 of the GBE1 protein (p.Asn233Asp). This variant is not present in population databases (gnomAD no frequency). This variant has not been reported in the literature in individuals affected with GBE1-related conditions. Algorithms developed to predict the effect of missense changes on protein structure and function are either unavailable or do not agree on the potential impact of this missense change (SIFT: "Not Available"; PolyPhen-2: "Probably Damaging"; Align-GVGD: "Not Available"). In summary, the available evidence is currently insufficient to determine the role of this variant in disease. Therefore, it has been classified as a Variant of Uncertain Significance.

NM_000158.4(GBE1):c.697A>G (p.Asn233Asp)

Gene: GBE1 (1,4-alpha-glucan branching enzyme 1; minus strand). Cytogenetic location: 3p12.2.
Variant type: single nucleotide variant.
Coding change: c.697A>G on transcript NM_000158.4 (MANE Select); coding-DNA position 697, A replaced by G.
Protein change: p.Asn233Asp; replaces asparagine 233 with aspartic acid.
Molecular consequence: missense variant.
Genome position (GRCh38, 1-based): chr3:81,646,477, T>C on the plus strand (A>G on the coding strand, the complement: GBE1 is on the minus strand). VCF-style: chr3-81646477-T-C. GRCh37 (hg19) VCF-style: chr3-81695628-T-C.
Other names: short protein forms N233D.
Identifiers: ClinVar variation 2154801 (VCV002154801.1), dbSNP rs1704765309, ClinGen allele CA353688189.